The following is an entry in ClinVar:

ClinVar aggregate classification (germline): Likely benign (0 of 4 stars; one submission).

Conditions:
GNAS-related disorder. Identifiers: MedGen CN380105.

Submission:

PreventionGenetics, part of Exact Sciences
Classification: Likely benign for GNAS-related condition. Last evaluated: 2022-09-20. Review status: no assertion criteria provided. Collection method: clinical testing. Allele origin: germline.
Comment: This variant is classified as likely benign based on ACMG/AMP sequence variant interpretation guidelines (Richards et al. 2015 PMID: 25741868, with internal and published modifications).

NM_000516.7(GNAS):c.1044C>T (p.Ile348=)

Gene: GNAS (GNAS complex locus; plus strand). Cytogenetic location: 20q13.32.
Variant type: single nucleotide variant.
Coding change: c.1044C>T on transcript NM_000516.7 (MANE Select); coding-DNA position 1044, C replaced by T.
Protein change: p.Ile348=; no amino-acid change (isoleucine 348 retained).
Molecular consequence: synonymous variant. On other transcripts: 3 prime UTR variant (2).
Genome position (GRCh38, 1-based): chr20:58,910,688, C>T. VCF-style: chr20-58910688-C-T. GRCh37 (hg19) VCF-style: chr20-57485743-C-T.
Other names: c.1047C>T, p.Ile349= (NM_001077488.5); c.999C>T, p.Ile333= (NM_001077489.4); c.*905C>T (NM_001077490.3); c.867C>T, p.Ile289= (NM_001309840.2, NM_001309861.2); c.948C>T, p.Ile316= (NM_001410912.1); c.2928C>T, p.Ile976= (NM_001410913.1); c.*950C>T (NM_016592.5); c.2973C>T, p.Ile991= (NM_080425.4); and 1 more.
Identifiers: ClinVar variation 3353974 (VCV003353974.1).